The following is an entry in ClinVar:

NM_018557.3(LRP1B):c.5256A>G (p.Ser1752=)

Gene: LRP1B (LDL receptor related protein 1B; minus strand). Cytogenetic location: 2q22.1.
Variant type: single nucleotide variant.
Coding change: c.5256A>G on transcript NM_018557.3 (MANE Select); coding-DNA position 5256, A replaced by G.
Protein change: p.Ser1752=; no amino-acid change (serine 1752 retained).
Molecular consequence: synonymous variant.
Genome position (GRCh38, 1-based): chr2:140,813,760, T>C on the plus strand (A>G on the coding strand, the complement: LRP1B is on the minus strand). VCF-style: chr2-140813760-T-C. GRCh37 (hg19) VCF-style: chr2-141571329-T-C.
Identifiers: ClinVar variation 3060696 (VCV003060696.2), dbSNP rs3749010, ClinGen allele CA1894954.

ClinVar aggregate classification (germline): Benign (0 of 4 stars; one submission).

Conditions:
LRP1B-related disorder. Also called: LRP1B-related condition.

Allele frequency attached by ClinVar (database versions not stated): TOPMed 0.82507; 1000 Genomes Project 30x 0.83620; ESP Exome Variant Server 0.83700; gnomAD 0.84047; 1000 Genomes Project 0.84525.
gnomAD v4.1: 1,418,728 of 1,608,172 alleles (88%); highest among the groups gnomAD compares: East Asian, 97%; 627,614 homozygotes.

Submission:

PreventionGenetics, part of Exact Sciences
Classification: Benign for LRP1B-related condition. Last evaluated: 2019-10-17. Review status: no assertion criteria provided. Collection method: clinical testing. Allele origin: germline.
Comment: This variant is classified as benign based on ACMG/AMP sequence variant interpretation guidelines (Richards et al. 2015 PMID: 25741868, with internal and published modifications).